The following is an entry in ClinVar:

NM_004807.3(HS6ST1):c.137_154del (p.Gly46_Pro51del)

Gene: HS6ST1 (heparan sulfate 6-O-sulfotransferase 1; minus strand). Cytogenetic location: 2q14.3.
Variant type: Deletion.
Coding change: c.137_154del on transcript NM_004807.3 (MANE Select); coding-DNA positions 137 to 154, 18 bases deleted (GCGGCCGCGCGCCGCCCG).
Protein change: p.Gly46_Pro51del.
Molecular consequence: inframe deletion.
Genome position (GRCh38, 1-based): chr2:128,318,410-128,318,427, CGGGCGGCGCGCGGCCGC deleted on the plus strand (GCGGCCGCGCGCCGCCCG on the coding strand, the reverse complement: HS6ST1 is on the minus strand); deleting any 18 consecutive bases within chr2:128,318,410-128,318,433 gives the same sequence; the c. name uses the placement nearest the transcript's 3' end. VCF-style (leftmost placement, unchanged base first): chr2-128318409-TCGGGCGGCGCGCGGCCGC-T. GRCh37 (hg19) VCF-style: chr2-129075983-TCGGGCGGCGCGCGGCCGC-T.
Identifiers: ClinVar variation 2833783 (VCV002833783.3), dbSNP rs1291607548, ClinGen allele CA756661632.

ClinVar aggregate classification (germline): Uncertain significance (1 of 4 stars; one submission).

Submission:

Labcorp Genetics (formerly Invitae), Labcorp
Classification: Uncertain significance. Last evaluated: 2023-02-01. Review status: criteria provided, single submitter. Criteria: Invitae Variant Classification Sherloc (09022015). Collection method: clinical testing. Allele origin: germline.
Comment: This variant, c.137_154del, results in the deletion of 6 amino acid(s) of the HS6ST1 protein (p.Gly46_Pro51del), but otherwise preserves the integrity of the reading frame. This variant is not present in population databases (gnomAD no frequency). This variant has not been reported in the literature in individuals affected with HS6ST1-related conditions. In summary, the available evidence is currently insufficient to determine the role of this variant in disease. Therefore, it has been classified as a Variant of Uncertain Significance.